The following is an entry in ClinVar:

ClinVar aggregate classification (germline): Uncertain significance. Review status: criteria provided, multiple submitters, no conflicts (2 of 4 stars). 2 submissions from 2 submitters: Uncertain significance (2). Last evaluated 2024-03-25.

Conditions:
Absence seizure. Also called: Absence epilepsy. Identifiers: Orphanet 1941, MedGen C0014553.
Myoclonic epilepsy, juvenile, susceptibility to, 1. Also called: Myoclonic Epilepsy, Juvenile, 1; EJM1. Identifiers: MedGen C1850778, MONDO:0020752, OMIM 254770.

Allele frequency attached by ClinVar (database versions not stated): gnomAD 0.00001; ExAC 0.00002; gnomAD exomes 0.00002; 1000 Genomes Project 30x 0.00016; 1000 Genomes Project 0.00020.
gnomAD v4.1: 20 of 1,613,174 alleles (0.0012%); highest among the groups gnomAD compares: African/African-American, 0.0013%; no homozygotes.

Submissions (2):

Genomic Medicine Center of Excellence, King Faisal Specialist Hospital and Research Centre
Classification: Uncertain significance for Myoclonic epilepsy, juvenile, susceptibility to, 1. Last evaluated: 2024-03-25. Review status: criteria provided, single submitter. Criteria: ACMG Guidelines, 2015. Collection method: clinical testing. Allele origin: germline.

Labcorp Genetics (formerly Invitae), Labcorp
Classification: Uncertain significance for Myoclonic epilepsy, juvenile, susceptibility to, 1; Absence seizure. Last evaluated: 2020-03-17. Review status: criteria provided, single submitter. Criteria: Invitae Variant Classification Sherloc (09022015). Collection method: clinical testing. Allele origin: germline.
Comment: In summary, the available evidence is currently insufficient to determine the role of this variant in disease. Therefore, it has been classified as a Variant of Uncertain Significance. The current clinical and genetic evidence is not sufficient to establish whether loss-of-function variants in EFHC1 cause disease. This variant has been observed in individual(s) with juvenile myoclonic epilepsy (PMID: 29750216). This variant is present in population databases (rs571448222, ExAC 0.01%). This sequence change creates a premature translational stop signal (p.Arg244*) in the EFHC1 gene. It is expected to result in an absent or disrupted protein product.

Literature cited by the submitters: PubMed 29750216 (cited by Labcorp Genetics (formerly Invitae), Labcorp).

NM_018100.4(EFHC1):c.730C>T (p.Arg244Ter)

Gene: EFHC1 (EF-hand domain containing 1; plus strand). Cytogenetic location: 6p12.2.
Variant type: single nucleotide variant.
Coding change: c.730C>T on transcript NM_018100.4 (MANE Select); coding-DNA position 730, C replaced by T.
Protein change: p.Arg244Ter; replaces arginine 244 with a stop codon.
Molecular consequence: nonsense. On other transcripts: non-coding transcript variant (1).
Genome position (GRCh38, 1-based): chr6:52,454,101, C>T. VCF-style: chr6-52454101-C-T. GRCh37 (hg19) VCF-style: chr6-52318899-C-T.
Other names: c.673C>T, p.Arg225Ter (NM_001172420.2); short protein forms R225*, R244*.
Identifiers: ClinVar variation 1018090 (VCV001018090.11), dbSNP rs571448222, ClinGen allele CA3855910.
Genomic context (GRCh38, chr6:52,454,101, plus strand): 5'-AGTTGAACTCCCTACTTTTAGGATTCTTGAGTCACTACTTTGGATTCTTCAAAGGTCCTT[C>T]GATTCTATGCAATCTGGGATGATACAGACAGCATGTATGGTGAATGTCGGACCTACATCA-3'